The following is an entry in ClinVar:

NM_001177701.3(IFT27):c.170G>A (p.Ser57Asn)

Gene: IFT27 (intraflagellar transport 27; minus strand). Cytogenetic location: 22q12.3.
Variant type: single nucleotide variant.
Coding change: c.170G>A on transcript NM_001177701.3 (MANE Select); coding-DNA position 170, G replaced by A.
Protein change: p.Ser57Asn; replaces serine 57 with asparagine.
Molecular consequence: missense variant.
Genome position (GRCh38, 1-based): chr22:36,767,310, C>T on the plus strand (G>A on the coding strand, the complement: IFT27 is on the minus strand). VCF-style: chr22-36767310-C-T. GRCh37 (hg19) VCF-style: chr22-37163354-C-T.
Other names: c.170G>A, p.Ser57Asn (NM_001363003.2); c.167G>A, p.Ser56Asn (NM_006860.5); short protein forms S56N, S57N.
Identifiers: ClinVar variation 3671952 (VCV003671952.2).

ClinVar aggregate classification (germline): Uncertain significance (1 of 4 stars; one submission).

Submission:

Labcorp Genetics (formerly Invitae), Labcorp
Classification: Uncertain significance. Last evaluated: 2024-11-19. Review status: criteria provided, single submitter. Criteria: Invitae Variant Classification Sherloc (09022015). Collection method: clinical testing. Allele origin: germline.
Comment: This sequence change replaces serine, which is neutral and polar, with asparagine, which is neutral and polar, at codon 56 of the IFT27 protein (p.Ser56Asn). This variant is not present in population databases (gnomAD no frequency). This variant has not been reported in the literature in individuals affected with IFT27-related conditions. Invitae Evidence Modeling of protein sequence and biophysical properties (such as structural, functional, and spatial information, amino acid conservation, physicochemical variation, residue mobility, and thermodynamic stability) indicates that this missense variant is expected to disrupt IFT27 protein function with a positive predictive value of 95%. In summary, the available evidence is currently insufficient to determine the role of this variant in disease. Therefore, it has been classified as a Variant of Uncertain Significance.